The following is an entry in ClinVar:

ClinVar aggregate classification (germline): Conflicting classifications of pathogenicity. Review status: criteria provided, conflicting classifications (1 of 4 stars). 3 submissions from 3 submitters: Uncertain significance (2); Likely benign (1). Last evaluated 2026-04-13.

Conditions:
Long QT syndrome (LQTS). Identifiers: MedGen C0023976, MeSH D008133, MONDO:0002442. Disease mechanism: loss of function. Inheritance: Various modes of inheritance.
CACNA1C-related disorder. Also called: CACNA1C-related condition; CACNA1C-related disorders. Identifiers: MedGen CN381092, MONDO:0700321.
Cardiovascular phenotype. Identifiers: MedGen CN230736.

Allele frequency attached by ClinVar (database versions not stated): gnomAD exomes 0.00001; TOPMed below 0.00001.
gnomAD v4.1: 8 of 1,614,194 alleles (0.0005%); highest among the groups gnomAD compares: Admixed American, 0.005%; no homozygotes.

Submissions (3):

PreventionGenetics, part of Exact Sciences
Classification: Uncertain significance for CACNA1C-related condition. Last evaluated: 2026-04-13. Review status: criteria provided, single submitter. Criteria: ACMG Guidelines, 2015. Collection method: clinical testing. Allele origin: germline.
Comment: The CACNA1C c.3643G>A variant is predicted to result in the amino acid substitution p.Val1215Met. To our knowledge, this variant has not been reported in the literature. This variant is reported in 0.0058% of alleles in individuals of Latino descent in gnomAD. At this time, the clinical significance of this variant is uncertain due to the absence of conclusive functional and genetic evidence.

Labcorp Genetics (formerly Invitae), Labcorp
Classification: Uncertain significance for Long QT syndrome. Last evaluated: 2026-01-13. Review status: criteria provided, single submitter. Criteria: Invitae Variant Classification Sherloc (09022015). Collection method: clinical testing. Allele origin: germline.
Comment: This sequence change replaces valine, which is neutral and non-polar, with methionine, which is neutral and non-polar, at codon 1215 of the CACNA1C protein (p.Val1215Met). This variant is present in population databases (rs747533547, gnomAD 0.006%). This variant has not been reported in the literature in individuals affected with CACNA1C-related conditions. ClinVar contains an entry for this variant (Variation ID: 526954). Invitae Evidence Modeling of protein sequence and biophysical properties (such as structural, functional, and spatial information, amino acid conservation, physicochemical variation, residue mobility, and thermodynamic stability) has been performed for this missense variant. However, the output from this modeling did not meet the statistical confidence thresholds required to predict the impact of this variant on CACNA1C protein function. In summary, the available evidence is currently insufficient to determine the role of this variant in disease. Therefore, it has been classified as a Variant of Uncertain Significance.

Ambry Genetics
Classification: Likely benign for Cardiovascular phenotype. Last evaluated: 2022-08-29. Review status: criteria provided, single submitter. Criteria: Ambry Variant Classification Scheme 2023. Collection method: clinical testing. Allele origin: germline.

NM_000719.7(CACNA1C):c.3643G>A (p.Val1215Met)

Gene: CACNA1C (calcium voltage-gated channel subunit alpha1 C; plus strand). Cytogenetic location: 12p13.33.
Variant type: single nucleotide variant.
Coding change: c.3643G>A on transcript NM_000719.7 (MANE Select); coding-DNA position 3643, G replaced by A.
Protein change: p.Val1215Met; replaces valine 1215 with methionine.
Molecular consequence: missense variant.
Genome position (GRCh38, 1-based): chr12:2,610,625, G>A. VCF-style: chr12-2610625-G-A. GRCh37 (hg19) VCF-style: chr12-2719791-G-A.
Other names: c.3703G>A, p.Val1235Met (NM_001129827.2, NM_001129832.2, NM_199460.4); c.3643G>A, p.Val1215Met (NM_001129829.2, NM_001129830.3, NM_001129831.2 and 15 more transcripts); c.3634G>A, p.Val1212Met (NM_001129844.2); short protein forms V1235M, V1215M, V1212M.
Identifiers: ClinVar variation 526954 (VCV000526954.11), dbSNP rs747533547, ClinGen allele CA6389271.
Genomic context (GRCh38, chr12:2,610,625, plus strand): 5'-AAGGCCCGGCCCCTGCGGAGGTACATCCCCAAGAACCAGCACCAGTACAAAGTGTGGTAC[G>A]TGGTCAACTCCACCTACTTCGAGTACCTGATGTTCGTCCTCATCCTGCTCAACACCATCT-3'
Protein context (NP_000710.5, residues 1205-1225): KNQHQYKVWY[Val1215Met]VNSTYFEYLM